The following is an entry in ClinVar:

NM_020812.4(DOCK6):c.5614C>T (p.Arg1872Cys)

Gene: DOCK6 (dedicator of cytokinesis 6; minus strand). Cytogenetic location: 19p13.2.
Variant type: single nucleotide variant.
Coding change: c.5614C>T on transcript NM_020812.4 (MANE Select); coding-DNA position 5614, C replaced by T.
Protein change: p.Arg1872Cys; replaces arginine 1872 with cysteine.
Molecular consequence: missense variant.
Genome position (GRCh38, 1-based): chr19:11,201,963, G>A on the plus strand (C>T on the coding strand, the complement: DOCK6 is on the minus strand). VCF-style: chr19-11201963-G-A. GRCh37 (hg19) VCF-style: chr19-11312639-G-A.
Other names: c.5719C>T, p.Arg1907Cys (NM_001367830.1); c.5614C>T (NM_020812.2); short protein forms R1872C, R1907C.
Identifiers: ClinVar variation 1516139 (VCV001516139.5), dbSNP rs189395618, ClinGen allele CA9206408.

ClinVar aggregate classification (germline): Uncertain significance. Review status: criteria provided, multiple submitters, no conflicts (2 of 4 stars). 2 submissions from 2 submitters: Uncertain significance (2). Last evaluated 2024-09-05.

Conditions:
Inborn genetic diseases. Identifiers: MedGen C0950123, MeSH D030342.

Allele frequency attached by ClinVar (database versions not stated): gnomAD exomes 0.00002; gnomAD 0.00003; ExAC 0.00004; TOPMed 0.00005; 1000 Genomes Project 30x 0.00016; 1000 Genomes Project 0.00020.
gnomAD v4.1: 29 of 1,613,460 alleles (0.0018%); highest among the groups gnomAD compares: Admixed American, 0.0033%; no homozygotes.

Submissions (2):

Labcorp Genetics (formerly Invitae), Labcorp
Classification: Uncertain significance. Last evaluated: 2024-09-05. Review status: criteria provided, single submitter. Criteria: Invitae Variant Classification Sherloc (09022015). Collection method: clinical testing. Allele origin: germline.
Comment: This sequence change replaces arginine, which is basic and polar, with cysteine, which is neutral and slightly polar, at codon 1872 of the DOCK6 protein (p.Arg1872Cys). This variant is present in population databases (rs189395618, gnomAD 0.002%). This variant has not been reported in the literature in individuals affected with DOCK6-related conditions. ClinVar contains an entry for this variant (Variation ID: 1516139). Invitae Evidence Modeling of protein sequence and biophysical properties (such as structural, functional, and spatial information, amino acid conservation, physicochemical variation, residue mobility, and thermodynamic stability) indicates that this missense variant is expected to disrupt DOCK6 protein function with a positive predictive value of 80%. In summary, the available evidence is currently insufficient to determine the role of this variant in disease. Therefore, it has been classified as a Variant of Uncertain Significance.

Ambry Genetics
Classification: Uncertain significance for Inborn genetic diseases. Last evaluated: 2022-04-22. Review status: criteria provided, single submitter. Criteria: Ambry Variant Classification Scheme 2023. Collection method: clinical testing. Allele origin: germline.